The following is an entry in ClinVar:

NM_001378615.1(CC2D2A):c.566A>G (p.Glu189Gly)

Genes: CC2D2A (coiled-coil and C2 domain containing 2A; plus strand), FBXL5 (F-box and leucine rich repeat protein 5; minus strand). Cytogenetic location: 4p15.32.
Variant type: single nucleotide variant.
Coding change: c.566A>G on transcript NM_001378615.1 (MANE Select); coding-DNA position 566, A replaced by G.
Protein change: p.Glu189Gly; replaces glutamic acid 189 with glycine.
Molecular consequence: missense variant.
Genome position (GRCh38, 1-based): chr4:15,511,272, A>G. VCF-style: chr4-15511272-A-G. GRCh37 (hg19) VCF-style: chr4-15512895-A-G.
Other names: c.566A>G, p.Glu189Gly (NM_001080522.2); c.419A>G, p.Glu140Gly (NM_001378617.1); short protein forms E189G, E140G.
Identifiers: ClinVar variation 1345490 (VCV001345490.11), dbSNP rs762024789, ClinGen allele CA2863444.

ClinVar aggregate classification (germline): Uncertain significance. Review status: criteria provided, multiple submitters, no conflicts (2 of 4 stars). 4 submissions from 4 submitters: Uncertain significance (3). 1 of the submissions does not count toward it. Last evaluated 2026-02-01.

Conditions:
Retinal dystrophy. Also called: Inherited retinal dystrophy. Identifiers: Orphanet 71862, MedGen C0854723, MeSH D058499, MONDO:0019118, HP:0000556.
Joubert syndrome. Also called: JOUBERT-BOLTSHAUSER SYNDROME; Familial aplasia of the vermis. Identifiers: Orphanet 475, MedGen C5979921, MONDO:0018772.
Meckel-Gruber syndrome. Also called: DYSENCEPHALIA SPLANCHNOCYSTICA; GRUBER SYNDROME; Dysencephalia splachnocystica. Identifiers: Orphanet 564, MedGen C0265215, MONDO:0018921.

Allele frequency attached by ClinVar (database versions not stated): ExAC 0.00003; TOPMed below 0.00001; gnomAD 0.00001; gnomAD exomes 0.00002.
gnomAD v4.1: 14 of 1,599,110 alleles (0.00088%); highest among the groups gnomAD compares: East Asian, 0.02%; no homozygotes.

Submissions (4):

CeGaT Center for Human Genetics Tuebingen
Classification: Uncertain significance. Last evaluated: 2026-02-01. Review status: criteria provided, single submitter. Criteria: CeGaT Center For Human Genetics Tuebingen Variant Classification Criteria Version 2. Collection method: clinical testing. Allele origin: germline. Affected: yes. Observed: 1 variant allele.
Comment: CC2D2A: PM2, PM3:Supporting, BP5

Blueprint Genetics
Classification: Uncertain significance. Last evaluated: 2024-03-29. Review status: criteria provided, single submitter. Criteria: ACMG Guidelines, 2015. Collection method: clinical testing. Allele origin: germline.

Labcorp Genetics (formerly Invitae), Labcorp
Classification: Uncertain significance for Joubert syndrome; Meckel-Gruber syndrome. Last evaluated: 2022-08-20. Review status: criteria provided, single submitter. Criteria: Invitae Variant Classification Sherloc (09022015). Collection method: clinical testing. Allele origin: germline.
Comment: This sequence change replaces glutamic acid, which is acidic and polar, with glycine, which is neutral and non-polar, at codon 189 of the CC2D2A protein (p.Glu189Gly). The frequency data for this variant in the population databases is considered unreliable, as metrics indicate poor data quality at this position in the gnomAD database. This variant has not been reported in the literature in individuals affected with CC2D2A-related conditions. ClinVar contains an entry for this variant (Variation ID: 1345490). Algorithms developed to predict the effect of missense changes on protein structure and function are either unavailable or do not agree on the potential impact of this missense change (SIFT: "Deleterious"; PolyPhen-2: "Probably Damaging"; Align-GVGD: "Class C0"). Algorithms developed to predict the effect of sequence changes on RNA splicing suggest that this variant may disrupt the consensus splice site. In summary, the available evidence is currently insufficient to determine the role of this variant in disease. Therefore, it has been classified as a Variant of Uncertain Significance.

Institute of Human Genetics, Univ. Regensburg, Univ. Regensburg
Classification: Uncertain significance for Retinal dystrophy. Last evaluated: 2023-01-01. Review status: no assertion criteria provided. Criteria: ACMG Guidelines, 2015. Collection method: clinical testing. Allele origin: germline. Affected: yes. Not counted in ClinVar's aggregate classification.